The following is an entry in ClinVar:

ClinVar aggregate classification (germline): Likely benign. Review status: criteria provided, multiple submitters, no conflicts (2 of 4 stars). 3 submissions from 3 submitters: Likely benign (2). 1 of the submissions does not count toward it. Last evaluated 2026-07-01.

Conditions:
OTOG-related disorder. Also called: OTOG-related condition.

Allele frequency attached by ClinVar (database versions not stated): gnomAD 0.00008; gnomAD exomes 0.00010 and 0.00011; TOPMed 0.00011; ExAC 0.00014.
gnomAD v4.1: 161 of 1,548,280 alleles (0.01%); highest among the groups gnomAD compares: Non-Finnish European, 0.014%; no homozygotes.

Submissions (3):

CeGaT Center for Human Genetics Tuebingen
Classification: Likely benign. Last evaluated: 2026-07-01. Review status: criteria provided, single submitter. Criteria: CeGaT Center For Human Genetics Tuebingen Variant Classification Criteria Version 2. Collection method: clinical testing. Allele origin: germline. Affected: yes. Observed: 1 variant allele.
Comment: OTOG: BP4, BP7

Labcorp Genetics (formerly Invitae), Labcorp
Classification: Likely benign. Last evaluated: 2024-11-25. Review status: criteria provided, single submitter. Criteria: Invitae Variant Classification Sherloc (09022015). Collection method: clinical testing. Allele origin: germline.

PreventionGenetics, part of Exact Sciences
Classification: Likely benign for OTOG-related condition. Last evaluated: 2024-09-11. Review status: no assertion criteria provided. Collection method: clinical testing. Allele origin: germline. Not counted in ClinVar's aggregate classification.
Comment: This variant is classified as likely benign based on ACMG/AMP sequence variant interpretation guidelines (Richards et al. 2015 PMID: 25741868, with internal and published modifications).

NM_001292063.2(OTOG):c.1116T>C (p.Asp372=)

Gene: OTOG (otogelin; plus strand). Cytogenetic location: 11p15.1.
Variant type: single nucleotide variant.
Coding change: c.1116T>C on transcript NM_001292063.2 (MANE Select); coding-DNA position 1116, T replaced by C.
Protein change: p.Asp372=; no amino-acid change (aspartic acid 372 retained).
Molecular consequence: synonymous variant.
Genome position (GRCh38, 1-based): chr11:17,559,064, T>C. VCF-style: chr11-17559064-T-C. GRCh37 (hg19) VCF-style: chr11-17580611-T-C.
Other names: c.1152T>C, p.Asp384= (NM_001277269.2); c.1152T>C (NM_001277269.1).
Identifiers: ClinVar variation 1640384 (VCV001640384.10), dbSNP rs548061223, ClinGen allele CA5905453.